The following is an entry in ClinVar:

NM_007254.4(PNKP):c.1543dup (p.Tyr515fs)

Gene: PNKP (polynucleotide kinase 3'-phosphatase; minus strand). Cytogenetic location: 19q13.33.
Variant type: Duplication.
Coding change: c.1543dup on transcript NM_007254.4 (MANE Select); coding-DNA position 1543, one base duplicated (T; older notation c.1543dupT).
Protein change: p.Tyr515fs; shifts the reading frame from tyrosine 515.
Molecular consequence: frameshift variant.
Genome position (GRCh38, 1-based): chr19:49,861,271, A duplicated on the plus strand (T on the coding strand, the reverse complement: PNKP is on the minus strand). VCF-style (leftmost placement, unchanged base first): chr19-49861270-T-TA. GRCh37 (hg19) VCF-style: chr19-50364527-T-TA.
Other names: short protein forms Y515fs.
Identifiers: ClinVar variation 1452440 (VCV001452440.8), dbSNP rs2122315348, ClinGen allele CA996724172.

ClinVar aggregate classification (germline): Pathogenic (1 of 4 stars; one submission).

Conditions:
Developmental and epileptic encephalopathy, 12 (DEE12). Identifiers: MedGen C3150988, MONDO:0013389, OMIM 613722.

Allele frequency attached by ClinVar (database versions not stated): gnomAD exomes below 0.00001; gnomAD 0.00001.

Submission:

Labcorp Genetics (formerly Invitae), Labcorp
Classification: Pathogenic for Developmental and epileptic encephalopathy, 12. Last evaluated: 2022-01-14. Review status: criteria provided, single submitter. Criteria: Invitae Variant Classification Sherloc (09022015). Collection method: clinical testing. Allele origin: germline.
Comment: For these reasons, this variant has been classified as Pathogenic. This variant disrupts a region of the PNKP protein in which other variant(s) (p.Gln517*) have been determined to be pathogenic (PMID: 30039206). This suggests that this is a clinically significant region of the protein, and that variants that disrupt it are likely to be disease-causing. This variant has not been reported in the literature in individuals affected with PNKP-related conditions. This variant is not present in population databases (gnomAD no frequency). This sequence change results in a frameshift in the PNKP gene (p.Tyr515Leufs*23). While this is not anticipated to result in nonsense mediated decay, it is expected to disrupt the last 7 amino acid(s) of the PNKP protein and extend the protein by 15 additional amino acid residues.

Literature cited by the submitters: PubMed 30039206.